The following is an entry in ClinVar:

ClinVar aggregate classification (germline): Benign. Review status: criteria provided, multiple submitters, no conflicts (2 of 4 stars). 6 submissions from 6 submitters: Benign (6). Last evaluated 2026-02-04.

Conditions:
Marinesco-Sjögren syndrome (MSS). Also called: Marinesco-SjÃ¶gren syndrome; Marinesco-Sjogren Syndrome. Identifiers: Orphanet 559, MedGen C0024814, MONDO:0009567, OMIM 248800.

Allele frequency attached by ClinVar (database versions not stated): gnomAD exomes 0.00230 and 0.00611; 1000 Genomes Project 30x 0.03045; ExAC 0.00730; gnomAD 0.02359 and 0.02524; TOPMed 0.02556; ESP Exome Variant Server 0.02630; 1000 Genomes Project 0.02796.
gnomAD v4.1: 7,169 of 1,609,628 alleles (0.45%); highest among the groups gnomAD compares: African/African-American, 7.9%; 243 homozygotes.

Submissions (6):

Labcorp Genetics (formerly Invitae), Labcorp
Classification: Benign for Marinesco-Sjögren syndrome. Last evaluated: 2026-02-04. Review status: criteria provided, single submitter. Criteria: Invitae Variant Classification Sherloc (09022015). Collection method: clinical testing. Allele origin: germline.

Athena Diagnostics
Classification: Benign. Last evaluated: 2025-06-05. Review status: criteria provided, single submitter. Criteria: Athena Diagnostics Criteria. Collection method: clinical testing. Allele origin: unknown.
Comment: The frequency of this variant in the general population is higher than would generally be expected for pathogenic variants in this gene.

Mayo Clinic Laboratories, Mayo Clinic
Classification: Benign. Last evaluated: 2022-03-23. Review status: criteria provided, single submitter. Criteria: ACMG Guidelines, 2015. Collection method: clinical testing. Allele origin: germline. Observed: 10 variant alleles.

Illumina Laboratory Services, Illumina
Classification: Benign for Marinesco-Sjögren syndrome. Last evaluated: 2018-01-13. Review status: criteria provided, single submitter. Criteria: ICSL Variant Classification Criteria 13 December 2019. Collection method: clinical testing. Allele origin: germline.
Comment: This variant was observed in the ICSL laboratory as part of a predisposition screen in an ostensibly healthy population. It had not been previously curated by ICSL or reported in the Human Gene Mutation Database (HGMD: prior to June 1st, 2018), and was therefore a candidate for classification through an automated scoring system. Utilizing variant allele frequency, disease prevalence and penetrance estimates, and inheritance mode, an automated score was calculated to assess if this variant is too frequent to cause the disease. Based on the score and internal cut-off values, a variant classified as benign is not then subjected to further curation. The score for this variant resulted in a classification of benign for this disease.

GeneDx
Classification: Benign. Last evaluated: 2016-05-04. Review status: criteria provided, single submitter. Criteria: GeneDx Variant Classification (06012015). Collection method: clinical testing. Allele origin: germline. Affected: yes.
Comment: This variant is considered likely benign or benign based on one or more of the following criteria: it is a conservative change, it occurs at a poorly conserved position in the protein, it is predicted to be benign by multiple in silico algorithms, and/or has population frequency not consistent with disease.

PreventionGenetics, part of Exact Sciences
Classification: Benign. Review status: criteria provided, single submitter. Criteria: ACMG Guidelines, 2015. Collection method: clinical testing. Allele origin: germline.

NM_022464.5(SIL1):c.394A>C (p.Lys132Gln)

Gene: SIL1 (SIL1 nucleotide exchange factor; minus strand). Cytogenetic location: 5q31.2.
Variant type: single nucleotide variant.
Coding change: c.394A>C on transcript NM_022464.5 (MANE Select); coding-DNA position 394, A replaced by C.
Protein change: p.Lys132Gln; replaces lysine 132 with glutamine.
Molecular consequence: missense variant.
Genome position (GRCh38, 1-based): chr5:139,042,679, T>G on the plus strand (A>C on the coding strand, the complement: SIL1 is on the minus strand). VCF-style: chr5-139042679-T-G. GRCh37 (hg19) VCF-style: chr5-138378368-T-G.
Other names: p.Lys132Gln; c.394A>C, p.Lys132Gln (NM_001037633.2); short protein forms K132Q.
Identifiers: ClinVar variation 261601 (VCV000261601.18), dbSNP rs61745568, ClinGen allele CA3432593.